The following is an entry in ClinVar:

NM_002067.5(GNA11):c.550G>T (p.Val184Leu)

Gene: GNA11 (G protein subunit alpha 11; plus strand). Cytogenetic location: 19p13.3.
Variant type: single nucleotide variant.
Coding change: c.550G>T on transcript NM_002067.5 (MANE Select); coding-DNA position 550, G replaced by T.
Protein change: p.Val184Leu; replaces valine 184 with leucine.
Molecular consequence: missense variant.
Genome position (GRCh38, 1-based): chr19:3,115,017, G>T. VCF-style: chr19-3115017-G-T. GRCh37 (hg19) VCF-style: chr19-3115015-G-T.
Other names: short protein forms V184L.
Identifiers: ClinVar variation 2812669 (VCV002812669.3), dbSNP rs2145320950, ClinGen allele CA403307989.
Genomic context (GRCh38, chr19:3,115,017, plus strand): 5'-GTTGACCGCATCGCCACCTTGGGCTACCTGCCCACCCAGCAGGACGTGCTGCGGGTCCGC[G>T]TGCCCACCACCGGCATCATCGAGTACCCTTTCGACCTGGAGAACATCATCTTCCGGTACC-3'
Protein context (NP_002058.2, residues 174-194): PTQQDVLRVR[Val184Leu]PTTGIIEYPF

ClinVar aggregate classification (germline): Uncertain significance (1 of 4 stars; one submission).

Submission:

Labcorp Genetics (formerly Invitae), Labcorp
Classification: Uncertain significance. Last evaluated: 2022-11-07. Review status: criteria provided, single submitter. Criteria: Invitae Variant Classification Sherloc (09022015). Collection method: clinical testing. Allele origin: germline.
Comment: In summary, the available evidence is currently insufficient to determine the role of this variant in disease. Therefore, it has been classified as a Variant of Uncertain Significance. Advanced modeling of protein sequence and biophysical properties (such as structural, functional, and spatial information, amino acid conservation, physicochemical variation, residue mobility, and thermodynamic stability) performed at Invitae indicates that this missense variant is not expected to disrupt GNA11 protein function. This variant has not been reported in the literature in individuals affected with GNA11-related conditions. This variant is not present in population databases (gnomAD no frequency). This sequence change replaces valine, which is neutral and non-polar, with leucine, which is neutral and non-polar, at codon 184 of the GNA11 protein (p.Val184Leu).